The following is an entry in ClinVar:

NM_000492.4(CFTR):c.2036G>A (p.Trp679Ter)

Gene: CFTR (CF transmembrane conductance regulator; plus strand). Cytogenetic location: 7q31.2.
Variant type: single nucleotide variant.
Coding change: c.2036G>A on transcript NM_000492.4 (MANE Select); coding-DNA position 2036, G replaced by A.
Protein change: p.Trp679Ter; replaces tryptophan 679 with a stop codon.
Molecular consequence: nonsense.
Genome position (GRCh38, 1-based): chr7:117,592,203, G>A. VCF-style: chr7-117592203-G-A. GRCh37 (hg19) VCF-style: chr7-117232257-G-A.
Other names: short protein forms W679*.
Identifiers: ClinVar variation 53429 (VCV000053429.11), dbSNP rs397508333, ClinGen allele CA326734.
Genomic context (GRCh38, chr7:117,592,203, plus strand): 5'-ATTCAATCCTAACTGAGACCTTACACCGTTTCTCATTAGAAGGAGATGCTCCTGTCTCCT[G>A]GACAGAAACAAAAAAACAATCTTTTAAACAGACTGGAGAGTTTGGGGAAAAAAGGAAGAA-3'

ClinVar aggregate classification (germline): Pathogenic. Review status: criteria provided, multiple submitters, no conflicts (2 of 4 stars). 6 submissions from 6 submitters: Pathogenic (5). 1 of the submissions does not count toward it. Last evaluated 2025-07-16.

Conditions:
CFTR-related disorder (CFTR-RD). Also called: CFTR-related disorders; CFTR-related condition. Identifiers: MedGen C5924204, MONDO:7770004.
Bronchiectasis with or without elevated sweat chloride 1 (BESC1). Also called: Cystic Fibrosis-Like Syndrome. Identifiers: Orphanet 60033, MedGen C2749757, MONDO:0008887, OMIM 211400.
Hereditary pancreatitis (PCTT). Also called: PRSS1-Related Hereditary Pancreatitis; Hereditary chronic pancreatitis. Identifiers: Orphanet 676, MedGen C0238339, MONDO:0008185, OMIM 167800.
Cystic fibrosis (CF). Also called: MUCOVISCIDOSIS. Identifiers: Orphanet 586, MedGen C0010674, MONDO:0009061, OMIM 219700. Disease mechanism: loss of function.
Congenital bilateral aplasia of vas deferens from CFTR mutation (CBAVD). Identifiers: Orphanet 48, MedGen C0403814, MONDO:0010178, OMIM 277180. Disease mechanism: loss of function.

Submissions (6):

Natera, Inc.
Classification: Pathogenic for CFTR-related disorders. Last evaluated: 2025-07-16. Review status: criteria provided, single submitter. Criteria: Natera Variant Classification Schema (03/2026). Collection method: clinical testing. Allele origin: germline.
Comment: The c.2036G>A variant in CFTR is a nonsense variant predicted to introduce a stop codon at amino acid 679. This variant is expected to result in nonsense mediated decay, truncation, or a dysfunctional protein product. This variant is rare in the general population with a frequency below the threshold expected for the associated phenotype(s). This variant has been observed in one or more individuals affected with the associated recessive disease, as either homozygous or compound heterozygous with a second variant (PMID: 40065563). Given the available evidence, this variant is classified as Pathogenic.

Labcorp Genetics (formerly Invitae), Labcorp
Classification: Pathogenic for Cystic fibrosis. Last evaluated: 2023-06-29. Review status: criteria provided, single submitter. Criteria: Invitae Variant Classification Sherloc (09022015). Collection method: clinical testing. Allele origin: germline.
Comment: This sequence change creates a premature translational stop signal (p.Trp679*) in the CFTR gene. It is expected to result in an absent or disrupted protein product. Loss-of-function variants in CFTR are known to be pathogenic (PMID: 1695717, 7691345, 9725922). This variant is not present in population databases (gnomAD no frequency). For these reasons, this variant has been classified as Pathogenic. Algorithms developed to predict the effect of sequence changes on RNA splicing suggest that this variant may disrupt the consensus splice site. ClinVar contains an entry for this variant (Variation ID: 53429). This premature translational stop signal has been observed in individual(s) with congenital bilateral absence of vas deferens (PMID: 30811104).

Baylor Genetics
Classification: Pathogenic for Bronchiectasis with or without elevated sweat chloride 1. Last evaluated: 2023-01-28. Review status: criteria provided, single submitter. Criteria: ACMG Guidelines, 2015. Collection method: clinical testing. Allele origin: unknown.

Johns Hopkins Genomics, Johns Hopkins University
Classification: Pathogenic for Cystic fibrosis. Last evaluated: 2020-04-27. Review status: criteria provided, single submitter. Criteria: ACMG Guidelines, 2015. Collection method: clinical testing. Allele origin: germline.
Comment: This CFTR variant has been previously reported in patients with cystic fibrosis and a single submitter in ClinVar classifies it as likely pathogenic (variation ID: 53429). This nonsense variant results in a premature stop codon in exon 14 (legacy exon 13) likely leading to nonsense-mediated decay and lack of protein production. We consider this variant to be pathogenic.

Juno Genomics, Hangzhou Juno Genomics, Inc
Classification: Pathogenic for Bronchiectasis with or without elevated sweat chloride 1; Hereditary pancreatitis; Congenital bilateral aplasia of vas deferens from CFTR mutation; Cystic fibrosis. Review status: criteria provided, single submitter. Criteria: ACMG Guidelines, 2015. Collection method: clinical testing. Allele origin: germline. Affected: yes.
Comment: Absent from controls (or at extremely low frequency if recessive) in Genome Aggregation Database, Exome Sequencing Project, 1000 Genomes Project, or Exome Aggregation Consortium.;Null variant in a gene where loss of function (LOF) is a known mechanism of disease.;For recessive disorders, detected in trans with a pathogenic variant.;Patient's phenotype or family history is highly specific for a disease with a single genetic etiology.

Counsyl
Classification: Likely pathogenic for Cystic fibrosis. Last evaluated: 2015-01-06. Review status: no assertion criteria provided. Collection method: literature only. Allele origin: unknown. Inheritance: Autosomal recessive inheritance. Not counted in ClinVar's aggregate classification.

Literature cited by the submitters: PubMed 40065563 (cited by Natera, Inc.); PubMed 1695717 (cited by Labcorp Genetics (formerly Invitae), Labcorp); PubMed 7691345 (cited by Labcorp Genetics (formerly Invitae), Labcorp); PubMed 9725922 (cited by Labcorp Genetics (formerly Invitae), Labcorp); PubMed 30811104 (cited by Labcorp Genetics (formerly Invitae), Labcorp); PubMed 22490504 (cited by Johns Hopkins Genomics, Johns Hopkins University and Counsyl); PubMed 20059485 (cited by Counsyl); PubMed 22504961 (cited by Counsyl).